The following is an entry in ClinVar:

ClinVar aggregate classification (germline): Pathogenic (1 of 4 stars; one submission).

Conditions:
Developmental and epileptic encephalopathy, 34 (DEE34). Also called: Early infantile epileptic encephalopathy 34; SLC12A5-Related Epilepsy of Infancy with Migrating Focal Seizures. Identifiers: Orphanet 293181, MedGen C4225257, MONDO:0014718, OMIM 616645.

Submission:

Labcorp Genetics (formerly Invitae), Labcorp
Classification: Pathogenic for Developmental and epileptic encephalopathy, 34. Last evaluated: 2021-10-12. Review status: criteria provided, single submitter. Criteria: Invitae Variant Classification Sherloc (09022015). Collection method: clinical testing. Allele origin: germline.
Comment: For these reasons, this variant has been classified as Pathogenic. This sequence change creates a premature translational stop signal (p.Glu965Alafs*28) in the SLC12A5 gene. It is expected to result in an absent or disrupted protein product. Loss-of-function variants in SLC12A5 are known to be pathogenic (PMID: 26333769, 27436767). This variant is not present in population databases (ExAC no frequency). This variant has not been reported in the literature in individuals affected with SLC12A5-related conditions.

Literature cited by the submitters: PubMed 26333769; PubMed 27436767.

NM_020708.5(SLC12A5):c.2894_2898del (p.Glu965fs)

Gene: SLC12A5 (solute carrier family 12 member 5; plus strand). Cytogenetic location: 20q13.12.
Variant type: Deletion.
Coding change: c.2894_2898del on transcript NM_020708.5 (MANE Select); coding-DNA positions 2894 to 2898, 5 bases deleted (AGAAG; older notation c.2894_2898delAGAAG).
Protein change: p.Glu965fs; shifts the reading frame from glutamic acid 965.
Molecular consequence: frameshift variant.
Genome position (GRCh38, 1-based): chr20:46,056,256-46,056,260, AGAAG deleted; deleting any 5 consecutive bases within chr20:46,056,252-46,056,260 gives the same sequence; the c. name uses the placement nearest the transcript's 3' end. VCF-style (leftmost placement, unchanged base first): chr20-46056251-TGAAGA-T. GRCh37 (hg19) VCF-style: chr20-44684890-TGAAGA-T.
Other names: c.2963_2967del, p.Glu988fs (NM_001134771.2); short protein forms E965fs, E988fs.
Identifiers: ClinVar variation 1404857 (VCV001404857.6), dbSNP rs2145507682, ClinGen allele CA2573157123.